The following is an entry in ClinVar:

NM_001040142.2(SCN2A):c.1441G>A (p.Gly481Arg)

Gene: SCN2A (sodium voltage-gated channel alpha subunit 2; plus strand). Cytogenetic location: 2q24.3.
Variant type: single nucleotide variant.
Coding change: c.1441G>A on transcript NM_001040142.2 (MANE Select); coding-DNA position 1441, G replaced by A.
Protein change: p.Gly481Arg; replaces glycine 481 with arginine.
Molecular consequence: missense variant.
Genome position (GRCh38, 1-based): chr2:165,315,528, G>A. VCF-style: chr2-165315528-G-A. GRCh37 (hg19) VCF-style: chr2-166172038-G-A.
Other names: c.1441G>A, p.Gly481Arg (NM_001040143.2, NM_001371246.1, NM_001371247.1 and 1 more transcripts); short protein forms G481R.
Identifiers: ClinVar variation 331727 (VCV000331727.29), dbSNP rs369488860, ClinGen allele CA1939826.

ClinVar aggregate classification (germline): Uncertain significance. Review status: criteria provided, multiple submitters, no conflicts (2 of 4 stars). 6 submissions from 6 submitters: Uncertain significance (6). Last evaluated 2025-12-16.

Conditions:
Seizures, benign familial infantile, 3 (BFIS3). Also called: Familial neonatal seizures; CONVULSIONS, BENIGN FAMILIAL INFANTILE, 3. Identifiers: Orphanet 140927, Orphanet 306, MedGen C1843140, MONDO:0011904, OMIM 607745.
Inborn genetic diseases. Identifiers: MedGen C0950123, MeSH D030342.
Developmental and epileptic encephalopathy, 11 (DEE11). Also called: Early infantile epileptic encephalopathy 11. Identifiers: Orphanet 1934, MedGen C3150987, MONDO:0013388, OMIM 613721.

Allele frequency attached by ClinVar (database versions not stated): gnomAD exomes below 0.00001 and 0.00003; TOPMed below 0.00001; ExAC 0.00001; gnomAD 0.00001; ESP Exome Variant Server 0.00008.

Submissions (6):

Ambry Genetics
Classification: Uncertain significance for Inborn genetic diseases. Last evaluated: 2025-12-16. Review status: criteria provided, single submitter. Criteria: Ambry Variant Classification Scheme 2023. Collection method: clinical testing. Allele origin: germline.
Comment: The c.1441G>A (p.G481R) alteration is located in exon 11 (coding exon 10) of the SCN2A gene. This alteration results from a G to A substitution at nucleotide position 1441, causing the glycine (G) at amino acid position 481 to be replaced by an arginine (R). Based on data from gnomAD, the A allele has an overall frequency of <0.001% (1/248852) total alleles studied. The highest observed frequency was 0.001% (1/111204) of European (non-Finnish) alleles. Based on insufficient or conflicting evidence, the clinical significance of this alteration remains unclear.

Labcorp Genetics (formerly Invitae), Labcorp
Classification: Uncertain significance for Seizures, benign familial infantile, 3; Developmental and epileptic encephalopathy, 11. Last evaluated: 2025-04-02. Review status: criteria provided, single submitter. Criteria: Invitae Variant Classification Sherloc (09022015). Collection method: clinical testing. Allele origin: germline.
Comment: This sequence change replaces glycine, which is neutral and non-polar, with arginine, which is basic and polar, at codon 481 of the SCN2A protein (p.Gly481Arg). This variant is present in population databases (rs369488860, gnomAD 0.0009%). This variant has not been reported in the literature in individuals affected with SCN2A-related conditions. ClinVar contains an entry for this variant (Variation ID: 331727). Invitae Evidence Modeling of protein sequence and biophysical properties (such as structural, functional, and spatial information, amino acid conservation, physicochemical variation, residue mobility, and thermodynamic stability) has been performed for this missense variant. However, the output from this modeling did not meet the statistical confidence thresholds required to predict the impact of this variant on SCN2A protein function. In summary, the available evidence is currently insufficient to determine the role of this variant in disease. Therefore, it has been classified as a Variant of Uncertain Significance.

CeGaT Center for Human Genetics Tuebingen
Classification: Uncertain significance. Last evaluated: 2025-02-01. Review status: criteria provided, single submitter. Criteria: CeGaT Center For Human Genetics Tuebingen Variant Classification Criteria Version 2. Collection method: clinical testing. Allele origin: germline. Affected: yes. Observed: 1 variant allele.

Blueprint Genetics
Classification: Uncertain significance. Last evaluated: 2022-06-02. Review status: criteria provided, single submitter. Criteria: ACMG Guidelines, 2015. Collection method: clinical testing. Allele origin: germline.

GeneDx
Classification: Uncertain significance. Last evaluated: 2021-04-16. Review status: criteria provided, single submitter. Criteria: GeneDx Variant Classification Process June 2021. Collection method: clinical testing. Allele origin: germline. Affected: yes.
Comment: Not observed at a significant frequency in large population cohorts (Lek et al., 2016); Missense variants in this gene are often considered pathogenic (Stenson et al., 2014); In silico analysis supports that this missense variant has a deleterious effect on protein structure/function; Has not been previously published as pathogenic or benign to our knowledge; This substitution is predicted to be in the cytoplasmic loop between the first and second homologous domains

Illumina Laboratory Services, Illumina
Classification: Uncertain significance for Seizures, benign familial infantile, 3. Last evaluated: 2018-01-13. Review status: criteria provided, single submitter. Criteria: ICSL Variant Classification Criteria 13 December 2019. Collection method: clinical testing. Allele origin: germline.